The following is an entry in ClinVar:

ClinVar aggregate classification (germline): Likely pathogenic (1 of 4 stars; one submission).

Submission:

GeneDx
Classification: Likely pathogenic. Last evaluated: 2017-05-15. Review status: criteria provided, single submitter. Criteria: GeneDx Variant Classification (06012015). Collection method: clinical testing. Allele origin: germline. Affected: yes.
Comment: The c.5452delG variant is not observed in large population cohorts (Lek et al., 2016; 1000 Genomes Consortium et al., 2015; Exome Variant Server). The c.5452delG variant causes a frameshift starting with codon Asparagine 1818, changes this amino acid to a Methionine residue and creates a premature Stop codon at position 40 of the new reading frame, denoted p.Asp1818MetfsX40. This variant is predicted to cause loss of normal protein function through protein truncation as the last 192 amino acids of the SCN1A protein are replaced by 39 incorrect amino acids. Although this variant has not been reported previously to our knowledge, other loss-of-function variants in the SCN1A gene have been reported in the Human Gene Mutation Database in association with SCN1A-related disorders (Stenson et al., 2014).

NM_001165963.4(SCN1A):c.5452del (p.Asp1818fs)

Genes: SCN1A (sodium voltage-gated channel alpha subunit 1; minus strand), LOC102724058 (uncharacterized LOC102724058; plus strand). Cytogenetic location: 2q24.3.
Variant type: Deletion.
Coding change: c.5452del on transcript NM_001165963.4 (MANE Select); coding-DNA position 5452, one base deleted (G; older notation c.5452delG).
Protein change: p.Asp1818fs; shifts the reading frame from aspartic acid 1818.
Molecular consequence: frameshift variant. On other transcripts: non-coding transcript variant (1).
Genome position (GRCh38, 1-based): chr2:165,991,823, C deleted on the plus strand (G on the coding strand, the reverse complement: SCN1A is on the minus strand). VCF-style (leftmost placement, unchanged base first): chr2-165991822-TC-T. GRCh37 (hg19) VCF-style: chr2-166848332-TC-T.
Other names: c.5368del, p.Asp1790fs (NM_001165964.3, NM_001353957.2, NM_001353958.2); c.5452del, p.Asp1818fs (NM_001202435.3, NM_001353948.2); c.5419del, p.Asp1807fs (NM_001353949.2, NM_001353950.2, NM_001353951.2 and 2 more transcripts); c.5416del, p.Asp1806fs (NM_001353954.2, NM_001353955.2); c.5365del, p.Asp1789fs (NM_001353960.2); c.3010del, p.Asp1004fs (NM_001353961.2); short protein forms D1790fs, D1789fs, D1806fs, D1818fs, D1004fs, D1807fs.
Identifiers: ClinVar variation 429632 (VCV000429632.2), dbSNP rs1131691500, ClinGen allele CA645369271.
Genomic context (GRCh38, chr2:165,991,822, plus strand): 5'-GGCGGTTCAAGCGCAGCTGCAAACTGAGATAATTTTTCAAATTCCATGAACTGAGTTGCA[TC>T]GGGATCAAACTTCTCCCAAACCTCATAGAACATCTCAAAGTCATCCTCACTCAGAGGCTC-3'